The following is an entry in ClinVar:

NM_002519.3(NPAT):c.3820G>C (p.Gly1274Arg)

Gene: NPAT (nuclear protein, coactivator of histone transcription; minus strand). Cytogenetic location: 11q22.3.
Variant type: single nucleotide variant.
Coding change: c.3820G>C on transcript NM_002519.3 (MANE Select); coding-DNA position 3820, G replaced by C.
Protein change: p.Gly1274Arg; replaces glycine 1274 with arginine.
Molecular consequence: missense variant.
Genome position (GRCh38, 1-based): chr11:108,161,266, C>G on the plus strand (G>C on the coding strand, the complement: NPAT is on the minus strand). VCF-style: chr11-108161266-C-G. GRCh37 (hg19) VCF-style: chr11-108031993-C-G.
Other names: c.3841G>C, p.Gly1281Arg (NM_001321307.1); short protein forms G1281R, G1274R.
Identifiers: ClinVar variation 1735269 (VCV001735269.2), dbSNP rs1193398767, ClinGen allele CA382509979.

ClinVar aggregate classification (germline): Uncertain significance (1 of 4 stars; one submission).

Submission:

Ambry Genetics
Classification: Uncertain significance. Last evaluated: 2021-09-21. Review status: criteria provided, single submitter. Criteria: Ambry Variant Classification Scheme 2023. Collection method: clinical testing. Allele origin: germline.
Comment: The p.G1274R variant (also known as c.3820G>C), located in coding exon 17 of the NPAT gene, results from a G to C substitution at nucleotide position 3820. The glycine at codon 1274 is replaced by arginine, an amino acid with dissimilar properties. This amino acid position is conserved. In addition, the in silico prediction for this alteration is inconclusive. Since supporting evidence is limited at this time, the clinical significance of this alteration remains unclear.